The following is an entry in ClinVar:

NM_001204.7(BMPR2):c.2208T>G (p.Asp736Glu)

Gene: BMPR2 (bone morphogenetic protein receptor type 2; plus strand). Cytogenetic location: 2q33.2.
Variant type: single nucleotide variant.
Coding change: c.2208T>G on transcript NM_001204.7 (MANE Select); coding-DNA position 2208, T replaced by G.
Protein change: p.Asp736Glu; replaces aspartic acid 736 with glutamic acid.
Molecular consequence: missense variant.
Genome position (GRCh38, 1-based): chr2:202,555,873, T>G. VCF-style: chr2-202555873-T-G. GRCh37 (hg19) VCF-style: chr2-203420596-T-G.
Other names: short protein forms D736E.
Identifiers: ClinVar variation 3992054 (VCV003992054.1).

ClinVar aggregate classification (germline): Uncertain significance (1 of 4 stars; one submission).

Conditions:
Inborn genetic diseases. Identifiers: MedGen C0950123, MeSH D030342.

Submission:

Ambry Genetics
Classification: Uncertain significance for Inborn genetic diseases. Last evaluated: 2025-03-20. Review status: criteria provided, single submitter. Criteria: Ambry Variant Classification Scheme 2023. Collection method: clinical testing. Allele origin: germline.
Comment: The p.D736E variant (also known as c.2208T>G), located in coding exon 12 of the BMPR2 gene, results from a T to G substitution at nucleotide position 2208. The aspartic acid at codon 736 is replaced by glutamic acid, an amino acid with highly similar properties. This amino acid position is conserved. In addition, this alteration is predicted to be tolerated by in silico analysis. Based on the available evidence, the clinical significance of this variant remains unclear.